The following is an entry in ClinVar:

ClinVar aggregate classification (germline): Uncertain significance (1 of 4 stars; one submission).

Allele frequency attached by ClinVar (database versions not stated): TOPMed below 0.00001; gnomAD 0.00001; gnomAD exomes 0.00001.
gnomAD v4.1: 20 of 1,614,080 alleles (0.0012%); highest among the groups gnomAD compares: Non-Finnish European, 0.0017%; no homozygotes.

Submission:

Labcorp Genetics (formerly Invitae), Labcorp
Classification: Uncertain significance. Last evaluated: 2022-06-27. Review status: criteria provided, single submitter. Criteria: Invitae Variant Classification Sherloc (09022015). Collection method: clinical testing. Allele origin: germline.
Comment: This sequence change replaces alanine, which is neutral and non-polar, with threonine, which is neutral and polar, at codon 363 of the ERCC6 protein (p.Ala363Thr). This variant is not present in population databases (gnomAD no frequency). This variant has not been reported in the literature in individuals affected with ERCC6-related conditions. Algorithms developed to predict the effect of missense changes on protein structure and function are either unavailable or do not agree on the potential impact of this missense change (SIFT: "Deleterious"; PolyPhen-2: "Benign"; Align-GVGD: "Class C0"). In summary, the available evidence is currently insufficient to determine the role of this variant in disease. Therefore, it has been classified as a Variant of Uncertain Significance.

NM_000124.4(ERCC6):c.1087G>A (p.Ala363Thr)

Gene: ERCC6 (ERCC excision repair 6, chromatin remodeling factor; minus strand). Cytogenetic location: 10q11.23.
Variant type: single nucleotide variant.
Coding change: c.1087G>A on transcript NM_000124.4 (MANE Select); coding-DNA position 1087, G replaced by A.
Protein change: p.Ala363Thr; replaces alanine 363 with threonine.
Molecular consequence: missense variant.
Genome position (GRCh38, 1-based): chr10:49,524,343, C>T on the plus strand (G>A on the coding strand, the complement: ERCC6 is on the minus strand). VCF-style: chr10-49524343-C-T. GRCh37 (hg19) VCF-style: chr10-50732389-C-T.
Other names: c.1087G>A, p.Ala363Thr (NM_001277058.2, NM_001277059.2, NM_001346440.2); short protein forms A363T.
Identifiers: ClinVar variation 1947295 (VCV001947295.2), dbSNP rs947200698, ClinGen allele CA206620326.